The following is an entry in ClinVar:

NM_022114.4(PRDM16):c.885C>T (p.Ser295=)

Gene: PRDM16 (PR/SET domain 16; plus strand). Cytogenetic location: 1p36.32.
Variant type: single nucleotide variant.
Coding change: c.885C>T on transcript NM_022114.4 (MANE Select); coding-DNA position 885, C replaced by T.
Protein change: p.Ser295=; no amino-acid change (serine 295 retained).
Molecular consequence: synonymous variant.
Genome position (GRCh38, 1-based): chr1:3,404,739, C>T. VCF-style: chr1-3404739-C-T. GRCh37 (hg19) VCF-style: chr1-3321303-C-T.
Other names: c.885C>T, p.Ser295= (NM_199454.3).
Identifiers: ClinVar variation 2153769 (VCV002153769.4), dbSNP rs538193750, ClinGen allele CA544022.

ClinVar aggregate classification (germline): Uncertain significance (1 of 4 stars; one submission).

Conditions:
Left ventricular noncompaction 8 (LVNC8). Identifiers: Orphanet 154, Orphanet 54260, MedGen C3809288, MONDO:0014152, OMIM 615373.

Allele frequency attached by ClinVar (database versions not stated): gnomAD exomes below 0.00001; ExAC 0.00001; gnomAD 0.00001; 1000 Genomes Project 30x 0.00016; 1000 Genomes Project 0.00020.
gnomAD v4.1: 6 of 1,613,264 alleles (0.00037%); highest among the groups gnomAD compares: East Asian, 0.0022%; no homozygotes.

Submission:

Labcorp Genetics (formerly Invitae), Labcorp
Classification: Uncertain significance for Left ventricular noncompaction 8. Last evaluated: 2025-12-22. Review status: criteria provided, single submitter. Criteria: Invitae Variant Classification Sherloc (09022015). Collection method: clinical testing. Allele origin: germline.
Comment: This sequence change affects codon 295 of the PRDM16 mRNA. It is a 'silent' change, meaning that it does not change the encoded amino acid sequence of the PRDM16 protein. It affects a nucleotide within the consensus splice site. This variant is present in population databases (rs538193750, gnomAD 0.007%). This variant has not been reported in the literature in individuals affected with PRDM16-related conditions. ClinVar contains an entry for this variant (Variation ID: 2153769). Algorithms developed to predict the effect of sequence changes on RNA splicing suggest that this variant is not likely to affect RNA splicing. In summary, the available evidence is currently insufficient to determine the role of this variant in disease. Therefore, it has been classified as a Variant of Uncertain Significance.